The following is an entry in ClinVar:

ClinVar aggregate classification (germline): Pathogenic (1 of 4 stars; one submission).

Conditions:
Hypertrophic cardiomyopathy 26. Also called: Cardiomyopathy, familial hypertrophic, 26. Identifiers: Orphanet 75249, MedGen C4310749, MONDO:0014883, OMIM 617047.
Myofibrillar myopathy 5. Also called: Filaminopathy (type); FILAMINOPATHY, AUTOSOMAL DOMINANT. Identifiers: Orphanet 171445, MedGen C1836050, MONDO:0012289, OMIM 609524.
Distal myopathy with posterior leg and anterior hand involvement. Also called: WILLIAMS DISTAL MYOPATHY. Identifiers: Orphanet 63273, MedGen C3279722, MONDO:0013550, OMIM 614065.

Submission:

Labcorp Genetics (formerly Invitae), Labcorp
Classification: Pathogenic for Distal myopathy with posterior leg and anterior hand involvement; Myofibrillar myopathy 5; Hypertrophic cardiomyopathy 26. Last evaluated: 2023-08-28. Review status: criteria provided, single submitter. Criteria: Invitae Variant Classification Sherloc (09022015). Collection method: clinical testing. Allele origin: germline.
Comment: For these reasons, this variant has been classified as Pathogenic. This variant has not been reported in the literature in individuals affected with FLNC-related conditions. This sequence change creates a premature translational stop signal (p.Ala1290*) in the FLNC gene. It is expected to result in an absent or disrupted protein product. Loss-of-function variants in FLNC are known to be pathogenic (PMID: 27908349). This variant is not present in population databases (gnomAD no frequency).

Literature cited by the submitters: PubMed 27908349.

NM_001458.5(FLNC):c.3863_3867dup (p.Ala1290Ter)

Gene: FLNC (filamin C; plus strand). Cytogenetic location: 7q32.1.
Variant type: Duplication.
Coding change: c.3863_3867dup on transcript NM_001458.5 (MANE Select); coding-DNA positions 3863 to 3867, 5 bases duplicated (TGACG; older notation c.3863_3867dupTGACG).
Protein change: p.Ala1290Ter; replaces alanine 1290 with a stop codon.
Molecular consequence: nonsense.
Genome position (GRCh38, 1-based): chr7:128,846,062-128,846,066, TGACG duplicated; duplicating any 5 consecutive bases within chr7:128,846,059-128,846,066 gives the same sequence; the c. name uses the placement nearest the transcript's 3' end. VCF-style (leftmost placement, unchanged base first): chr7-128846058-C-CACGTG. GRCh37 (hg19) VCF-style: chr7-128486112-C-CACGTG.
Other names: c.3863_3867dup, p.Ala1290Ter (NM_001127487.2); short protein forms A1290*.
Identifiers: ClinVar variation 2948826 (VCV002948826.3), dbSNP rs2536640884, ClinGen allele CA2740094850.